The following is an entry in ClinVar:

ClinVar aggregate classification (germline): Uncertain significance (1 of 4 stars; one submission).

Conditions:
Hyperkalemic periodic paralysis. Also called: Gamstorp disease; Familial hyperkalemic periodic paralysis. Identifiers: Orphanet 682, MedGen C0238357, MONDO:0008224, OMIM 170500, HP:0007215.

Allele frequency attached by ClinVar (database versions not stated): gnomAD exomes below 0.00001; gnomAD 0.00001; TOPMed 0.00001.
gnomAD v4.1: 3 of 1,613,870 alleles (0.00019%); highest among the groups gnomAD compares: East Asian, 0.0022%; no homozygotes.

Submission:

Labcorp Genetics (formerly Invitae), Labcorp
Classification: Uncertain significance for Hyperkalemic periodic paralysis. Last evaluated: 2022-02-09. Review status: criteria provided, single submitter. Criteria: Invitae Variant Classification Sherloc (09022015). Collection method: clinical testing. Allele origin: germline.
Comment: Algorithms developed to predict the effect of missense changes on protein structure and function are either unavailable or do not agree on the potential impact of this missense change (SIFT: "Deleterious"; PolyPhen-2: "Benign"; Align-GVGD: "Class C45"). In summary, the available evidence is currently insufficient to determine the role of this variant in disease. Therefore, it has been classified as a Variant of Uncertain Significance. ClinVar contains an entry for this variant (Variation ID: 543800). This variant has not been reported in the literature in individuals affected with SCN4A-related conditions. This variant is present in population databases (no rsID available, gnomAD 0.006%). This sequence change replaces methionine, which is neutral and non-polar, with threonine, which is neutral and polar, at codon 632 of the SCN4A protein (p.Met632Thr).

NM_000334.4(SCN4A):c.1895T>C (p.Met632Thr)

Gene: SCN4A (sodium voltage-gated channel alpha subunit 4; minus strand). Cytogenetic location: 17q23.3.
Variant type: single nucleotide variant.
Coding change: c.1895T>C on transcript NM_000334.4 (MANE Select); coding-DNA position 1895, T replaced by C.
Protein change: p.Met632Thr; replaces methionine 632 with threonine.
Molecular consequence: missense variant.
Genome position (GRCh38, 1-based): chr17:63,959,389, A>G on the plus strand (T>C on the coding strand, the complement: SCN4A is on the minus strand). VCF-style: chr17-63959389-A-G. GRCh37 (hg19) VCF-style: chr17-62036749-A-G.
Other names: short protein forms M632T.
Identifiers: ClinVar variation 543800 (VCV000543800.10), dbSNP rs1307476014, ClinGen allele CA400632489.